The following is an entry in ClinVar:

NM_000548.5(TSC2):c.251C>A (p.Ala84Glu)

Gene: TSC2 (TSC complex subunit 2; plus strand). Cytogenetic location: 16p13.3.
Variant type: single nucleotide variant.
Coding change: c.251C>A on transcript NM_000548.5 (MANE Select); coding-DNA position 251, C replaced by A.
Protein change: p.Ala84Glu; replaces alanine 84 with glutamic acid.
Molecular consequence: missense variant. On other transcripts: intron variant (2).
Genome position (GRCh38, 1-based): chr16:2,053,367, C>A. VCF-style: chr16-2053367-C-A. GRCh37 (hg19) VCF-style: chr16-2103368-C-A.
Other names: c.251C>A, p.Ala84Glu (NM_001077183.3, NM_001114382.3, NM_001363528.2 and 3 more transcripts); c.104C>A, p.Ala35Glu (NM_001318829.2); c.284C>A, p.Ala95Glu (NM_001318832.2); c.226-929C>A (NM_001318827.2); c.-1-2829C>A (NM_001318831.2); c.251C>A (NM_000548.3); short protein forms A35E, A84E, A95E.
Identifiers: ClinVar variation 1473079 (VCV001473079.8), dbSNP rs35660529, ClinGen allele CA394305531.

ClinVar aggregate classification (germline): Uncertain significance. Review status: criteria provided, multiple submitters, no conflicts (2 of 4 stars). 3 submissions from 3 submitters: Uncertain significance (3). Last evaluated 2026-08-27.

Conditions:
Hereditary cancer-predisposing syndrome. Also called: Hereditary Cancer Syndrome; Tumor predisposition; Neoplastic Syndromes, Hereditary; Hereditary neoplastic syndrome. Identifiers: Orphanet 140162, MedGen C0027672, MeSH D009386, MONDO:0015356.
Tuberous sclerosis syndrome (TSC). Also called: Tuberous Sclerosis Complex; Tuberous sclerosis. Identifiers: Orphanet 805, MedGen C0041341, MONDO:0001734.
Tuberous sclerosis 2 (TSC2). Identifiers: Orphanet 805, MedGen C1860707, MONDO:0013199, OMIM 613254.

Submissions (3):

Ambry Genetics
Classification: Uncertain significance for Hereditary cancer-predisposing syndrome. Last evaluated: 2026-08-27. Review status: criteria provided, single submitter. Criteria: Ambry Variant Classification Scheme 2023. Collection method: clinical testing. Allele origin: germline.
Comment: The p.A84E variant (also known as c.251C>A), located in coding exon 3 of the TSC2 gene, results from a C to A substitution at nucleotide position 251. The alanine at codon 84 is replaced by glutamic acid, an amino acid with dissimilar properties. This amino acid position is not well conserved in available vertebrate species. In addition, the in silico prediction for this alteration is inconclusive. Based on the available evidence, the clinical significance of this variant remains unclear.

Labcorp Genetics (formerly Invitae), Labcorp
Classification: Uncertain significance for Tuberous sclerosis 2. Last evaluated: 2024-10-29. Review status: criteria provided, single submitter. Criteria: Invitae Variant Classification Sherloc (09022015). Collection method: clinical testing. Allele origin: germline.
Comment: This sequence change replaces alanine, which is neutral and non-polar, with glutamic acid, which is acidic and polar, at codon 84 of the TSC2 protein (p.Ala84Glu). This variant is not present in population databases (gnomAD no frequency). This variant has not been reported in the literature in individuals affected with TSC2-related conditions. ClinVar contains an entry for this variant (Variation ID: 1473079). Invitae Evidence Modeling of protein sequence and biophysical properties (such as structural, functional, and spatial information, amino acid conservation, physicochemical variation, residue mobility, and thermodynamic stability) indicates that this missense variant is not expected to disrupt TSC2 protein function with a negative predictive value of 95%. In summary, the available evidence is currently insufficient to determine the role of this variant in disease. Therefore, it has been classified as a Variant of Uncertain Significance.

All of Us Research Program, National Institutes of Health
Classification: Uncertain significance for Tuberous sclerosis syndrome. Last evaluated: 2024-07-20. Review status: criteria provided, single submitter. Criteria: ACMG Guidelines, 2015. Collection method: clinical testing. Allele origin: germline. Inheritance: Autosomal dominant inheritance. Observed: 1 variant allele, 1 heterozygote.
Comment: This missense variant replaces alanine with glutamic acid at codon 84 of the TSC2 protein. Computational prediction is inconclusive regarding the impact of this variant on protein structure and function. To our knowledge, functional studies have not been reported for this variant. This variant has not been reported in individuals affected with TSC2-related disorders in the literature. This variant has not been identified in the general population by the Genome Aggregation Database (gnomAD). The available evidence is insufficient to determine the role of this variant in disease conclusively. Therefore, this variant is classified as a Variant of Uncertain Significance.

This study involves interpretation of variants in research participants for the purpose of population health screening. Participant phenotype was not available at the time of variant classification. Additional details can be found in publication PMID: 35346344, PMCID: PMC8962531